The following is an entry in ClinVar:

NM_001458.5(FLNC):c.6291_6299dup (p.Tyr2100Ter)

Genes: FLNC (filamin C; plus strand), FLNC-AS1 (FLNC antisense RNA 1; minus strand). Cytogenetic location: 7q32.1.
Variant type: Duplication.
Coding change: c.6291_6299dup on transcript NM_001458.5 (MANE Select); coding-DNA positions 6291 to 6299, 9 bases duplicated (AGTCACCTA; older notation c.6291_6299dupAGTCACCTA).
Protein change: p.Tyr2100Ter; replaces tyrosine 2100 with a stop codon.
Molecular consequence: nonsense.
Genome position (GRCh38, 1-based): chr7:128,853,551-128,853,559, AGTCACCTA duplicated; duplicating any 9 consecutive bases within chr7:128,853,550-128,853,559 gives the same sequence; the c. name uses the placement nearest the transcript's 3' end. VCF-style (leftmost placement, unchanged base first): chr7-128853549-A-AAAGTCACCT. GRCh37 (hg19) VCF-style: chr7-128493603-A-AAAGTCACCT.
Other names: c.6192_6200dup, p.Tyr2067Ter (NM_001127487.2); short protein forms Y2067*, Y2100*.
Identifiers: ClinVar variation 4812498 (VCV004812498.1).
Genomic context (GRCh38, chr7:128,853,549, plus strand): 5'-AGTATTGAAGGCCCAAGCAAGGTGGACATCAACTGTGAGGACATGGAGGACGGGACATGC[A>AAAGTCACCT]AAGTCACCTACTGCCCCACCGAGCCCGGCACCTACATCATCAACATCAAGTTTGCTGACA-3'

ClinVar aggregate classification (germline): Pathogenic (1 of 4 stars; one submission).

Conditions:
Hypertrophic cardiomyopathy 26. Also called: Cardiomyopathy, familial hypertrophic, 26. Identifiers: Orphanet 75249, MedGen C4310749, MONDO:0014883, OMIM 617047.
Myofibrillar myopathy 5. Also called: Filaminopathy (type); FILAMINOPATHY, AUTOSOMAL DOMINANT. Identifiers: Orphanet 171445, MedGen C1836050, MONDO:0012289, OMIM 609524.
Distal myopathy with posterior leg and anterior hand involvement. Also called: WILLIAMS DISTAL MYOPATHY. Identifiers: Orphanet 63273, MedGen C3279722, MONDO:0013550, OMIM 614065.

Submission:

Labcorp Genetics (formerly Invitae), Labcorp
Classification: Pathogenic for Distal myopathy with posterior leg and anterior hand involvement; Myofibrillar myopathy 5; Hypertrophic cardiomyopathy 26. Last evaluated: 2025-12-14. Review status: criteria provided, single submitter. Criteria: Invitae Variant Classification Sherloc (09022015). Collection method: clinical testing. Allele origin: germline.
Comment: This sequence change creates a premature translational stop signal (p.Tyr2100*) in the FLNC gene. It is expected to result in an absent or disrupted protein product. Loss-of-function variants in FLNC are known to be pathogenic (PMID: 27908349). This variant is not present in population databases (gnomAD no frequency). This premature translational stop signal has been observed in individual(s) with dilated cardiomyopathy (PMID: 31712860). For these reasons, this variant has been classified as Pathogenic.

Literature cited by the submitters: PubMed 27908349; PubMed 31712860.